The following is an entry in ClinVar:

ClinVar aggregate classification (germline): Uncertain significance. Review status: criteria provided, multiple submitters, no conflicts (2 of 4 stars). 7 submissions from 7 submitters: Uncertain significance (7). Last evaluated 2025-10-28.

Conditions:
Hereditary cancer-predisposing syndrome. Also called: Neoplastic Syndromes, Hereditary; Tumor predisposition; Hereditary neoplastic syndrome; Hereditary Cancer Syndrome. Identifiers: Orphanet 140162, MedGen C0027672, MeSH D009386, MONDO:0015356.
Mismatch repair cancer syndrome 3. Identifiers: MedGen C5436807, MONDO:0030841, OMIM 619097.
Endometrial carcinoma. Also called: Endometrial carcinoma, somatic. Identifiers: MedGen C0476089, MONDO:0002447, OMIM 608089, HP:0012114.
Lynch syndrome 5 (LYNCH5). Also called: Colorectal cancer, hereditary nonpolyposis, type 5; Hereditary non-polyposis colorectal cancer, type 5. Identifiers: Orphanet 144, MedGen C1833477, MONDO:0013710, OMIM 614350. Disease mechanism: loss of function.
Hereditary nonpolyposis colorectal neoplasms. Identifiers: MedGen C0009405, MeSH D003123.
Lynch syndrome. Identifiers: Orphanet 144, MedGen C4552100, MONDO:0005835. Disease mechanism: loss of function.

Allele frequency attached by ClinVar (database versions not stated): gnomAD exomes below 0.00001; TOPMed below 0.00001.

Submissions (7):

Ambry Genetics
Classification: Uncertain significance for Hereditary cancer-predisposing syndrome. Last evaluated: 2025-10-28. Review status: criteria provided, single submitter. Criteria: Ambry Variant Classification Scheme 2023. Collection method: clinical testing. Allele origin: germline.
Comment: The p.R495Q variant (also known as c.1484G>A), located in coding exon 4 of the MSH6 gene, results from a G to A substitution at nucleotide position 1484. The arginine at codon 495 is replaced by glutamine, an amino acid with highly similar properties. This amino acid position is highly conserved in available vertebrate species. In addition, this alteration is predicted to be deleterious by in silico analysis. Based on the available evidence, the clinical significance of this variant remains unclear.

Laboratory of Genetics, Children's Clinical University Hospital Latvia
Classification: Uncertain significance. Last evaluated: 2025-02-16. Review status: criteria provided, single submitter. Criteria: ACMG Guidelines, 2015. Collection method: clinical testing. Allele origin: germline. Affected: yes.

Fulgent Genetics
Classification: Uncertain significance for Endometrial carcinoma; Lynch syndrome 5; Mismatch repair cancer syndrome 3. Last evaluated: 2024-03-24. Review status: criteria provided, single submitter. Criteria: ACMG Guidelines, 2015. Collection method: clinical testing. Allele origin: germline.

Color Diagnostics, LLC DBA Color Health
Classification: Uncertain significance for Hereditary cancer-predisposing syndrome. Last evaluated: 2023-08-21. Review status: criteria provided, single submitter. Criteria: ACMG Guidelines, 2015. Collection method: clinical testing. Allele origin: germline.
Comment: This missense variant replaces arginine with glutamine at codon 495 of the MSH6 protein. Computational prediction suggests that this variant may have deleterious impact on protein structure and function (internally defined REVEL score threshold >= 0.7, PMID: 27666373). To our knowledge, functional studies have not been reported for this variant. This variant has not been reported in individuals affected with MSH6-related disorders in the literature. This variant has not been identified in the general population by the Genome Aggregation Database (gnomAD). The available evidence is insufficient to determine the role of this variant in disease conclusively. Therefore, this variant is classified as a Variant of Uncertain Significance.

All of Us Research Program, National Institutes of Health
Classification: Uncertain significance for Lynch syndrome. Last evaluated: 2023-04-27. Review status: criteria provided, single submitter. Criteria: ACMG Guidelines, 2015. Collection method: clinical testing. Allele origin: germline. Inheritance: Autosomal dominant inheritance. Observed: 1 variant allele, 1 heterozygote.
Comment: This study involves interpretation of variants in research participants for the purpose of population health screening. Participant phenotype was not available at the time of variant classification. Additional details can be found in publication PMID: 35346344, PMCID: PMC8962531

Labcorp Genetics (formerly Invitae), Labcorp
Classification: Uncertain significance for Hereditary nonpolyposis colorectal neoplasms. Last evaluated: 2023-01-25. Review status: criteria provided, single submitter. Criteria: Invitae Variant Classification Sherloc (09022015). Collection method: clinical testing. Allele origin: germline.
Comment: This variant has not been reported in the literature in individuals affected with MSH6-related conditions. In summary, the available evidence is currently insufficient to determine the role of this variant in disease. Therefore, it has been classified as a Variant of Uncertain Significance. Algorithms developed to predict the effect of missense changes on protein structure and function (SIFT, PolyPhen-2, Align-GVGD) all suggest that this variant is likely to be disruptive. ClinVar contains an entry for this variant (Variation ID: 628220). This variant is not present in population databases (gnomAD no frequency). This sequence change replaces arginine, which is basic and polar, with glutamine, which is neutral and polar, at codon 495 of the MSH6 protein (p.Arg495Gln).

GeneDx
Classification: Uncertain significance. Last evaluated: 2019-07-12. Review status: criteria provided, single submitter. Criteria: GeneDx Variant Classification Process June 2021. Collection method: clinical testing. Allele origin: germline. Affected: yes.
Comment: Not observed in large population cohorts (Lek et al., 2016); Has not been previously published as pathogenic or benign to our knowledge

NM_000179.3(MSH6):c.1484G>A (p.Arg495Gln)

Gene: MSH6 (mutS homolog 6; plus strand). Cytogenetic location: 2p16.3.
Variant type: single nucleotide variant.
Coding change: c.1484G>A on transcript NM_000179.3 (MANE Select); coding-DNA position 1484, G replaced by A.
Protein change: p.Arg495Gln; replaces arginine 495 with glutamine.
Molecular consequence: missense variant.
Genome position (GRCh38, 1-based): chr2:47,799,467, G>A. VCF-style: chr2-47799467-G-A. GRCh37 (hg19) VCF-style: chr2-48026606-G-A.
Other names: c.1094G>A, p.Arg365Gln (NM_001281492.2); c.578G>A, p.Arg193Gln (NM_001281493.2, NM_001281494.2); short protein forms R495Q, R365Q, R193Q.
Identifiers: ClinVar variation 628220 (VCV000628220.21), dbSNP rs1358771617, ClinGen allele CA346746059.